The following is an entry in ClinVar:

NM_001080414.4(CCDC88C):c.4825C>A (p.Pro1609Thr)

Gene: CCDC88C (coiled-coil domain containing 88C; minus strand). Cytogenetic location: 14q32.11.
Variant type: single nucleotide variant.
Coding change: c.4825C>A on transcript NM_001080414.4 (MANE Select); coding-DNA position 4825, C replaced by A.
Protein change: p.Pro1609Thr; replaces proline 1609 with threonine.
Molecular consequence: missense variant.
Genome position (GRCh38, 1-based): chr14:91,278,155, G>T on the plus strand (C>A on the coding strand, the complement: CCDC88C is on the minus strand). VCF-style: chr14-91278155-G-T. GRCh37 (hg19) VCF-style: chr14-91744499-G-T.
Other names: short protein forms P1609T.
Identifiers: ClinVar variation 2798734 (VCV002798734.1), dbSNP rs1208116927, ClinGen allele CA390612570.

ClinVar aggregate classification (germline): Uncertain significance (1 of 4 stars; one submission).

Allele frequency attached by ClinVar (database versions not stated): gnomAD exomes below 0.00001; TOPMed below 0.00001; gnomAD 0.00001.
gnomAD v4.1: 2 of 1,612,936 alleles (0.00012%); highest among the groups gnomAD compares: Non-Finnish European, 0.00017%; no homozygotes.

Submission:

Labcorp Genetics (formerly Invitae), Labcorp
Classification: Uncertain significance. Last evaluated: 2023-08-01. Review status: criteria provided, single submitter. Criteria: Invitae Variant Classification Sherloc (09022015). Collection method: clinical testing. Allele origin: germline.
Comment: This variant has not been reported in the literature in individuals affected with CCDC88C-related conditions. In summary, the available evidence is currently insufficient to determine the role of this variant in disease. Therefore, it has been classified as a Variant of Uncertain Significance. An algorithm developed to predict the effect of missense changes on protein structure and function (PolyPhen-2) suggests that this variant is likely to be disruptive. The frequency data for this variant in the population databases is considered unreliable, as metrics indicate poor data quality at this position in the gnomAD database. This sequence change replaces proline, which is neutral and non-polar, with threonine, which is neutral and polar, at codon 1609 of the CCDC88C protein (p.Pro1609Thr).